The following is an entry in ClinVar:

NM_024876.4(COQ8B):c.49_58del (p.Gly17fs)

Gene: COQ8B (coenzyme Q8B; minus strand). Cytogenetic location: 19q13.2.
Variant type: Deletion.
Coding change: c.49_58del on transcript NM_024876.4 (MANE Select); coding-DNA positions 49 to 58, 10 bases deleted (GGCCAGACTG; older notation c.49_58delGGCCAGACTG).
Protein change: p.Gly17fs; shifts the reading frame from glycine 17.
Molecular consequence: frameshift variant.
Genome position (GRCh38, 1-based): chr19:40,714,575-40,714,584, CAGTCTGGCC deleted on the plus strand (GGCCAGACTG on the coding strand, the reverse complement: COQ8B is on the minus strand); deleting any 10 consecutive bases within chr19:40,714,575-40,714,587 gives the same sequence; the c. name uses the placement nearest the transcript's 3' end. VCF-style (leftmost placement, unchanged base first): chr19-40714574-ACAGTCTGGCC-A. GRCh37 (hg19) VCF-style: chr19-41220479-ACAGTCTGGCC-A.
Other names: c.49_58del, p.Gly17fs (NM_001142555.3); c.49_58delGGCCAGACTG (NM_024876.4); short protein forms G17fs.
Identifiers: ClinVar variation 4845808 (VCV004845808.2).

ClinVar aggregate classification (germline): Likely pathogenic. Review status: criteria provided, multiple submitters, no conflicts (2 of 4 stars). 2 submissions from 2 submitters: Likely pathogenic (2). Last evaluated 2025-03-26.

Conditions:
ADCK4 & COQ8B-related disorders.
Nephrotic syndrome, type 9 (NPHS9). Identifiers: Orphanet 656, MedGen C3809965, MONDO:0014257, OMIM 615573.

Submissions (2):

First Genomix Gene Laboratory, Genetic Diagnostics Department
Classification: Likely pathogenic for Nephrotic syndrome, type 9. Last evaluated: 2025-03-26. Review status: criteria provided, single submitter. Criteria: ACMG Guidelines, 2015. Collection method: clinical testing. Allele origin: germline. Inheritance: Autosomal recessive inheritance. Affected: no. Observed: 1 variant allele.

Blueprint Genetics
Classification: Likely pathogenic for ADCK4 & COQ8B-related disorders. Last evaluated: 2023-07-17. Review status: criteria provided, single submitter. Criteria: ACMG Guidelines, 2015. Collection method: clinical testing. Allele origin: germline. Affected: yes. Observed: 2 variant alleles.